The following is an entry in ClinVar:

ClinVar aggregate classification (germline): Conflicting classifications of pathogenicity. Review status: criteria provided, conflicting classifications (1 of 4 stars). 18 submissions from 14 submitters: Uncertain significance (3); Benign (7); Likely benign (5). 3 of the submissions do not count toward it. Last evaluated 2026-08-01.

Conditions:
Cardiovascular phenotype. Identifiers: MedGen CN230736.
Autosomal recessive limb-girdle muscular dystrophy type 2J (LGMDR10). Also called: MUSCULAR DYSTROPHY, LIMB-GIRDLE, AUTOSOMAL RECESSIVE 10; Limb-girdle muscular dystrophy, type 2J. Identifiers: Orphanet 140922, MedGen C1837342, MONDO:0012127, OMIM 608807.
Dilated cardiomyopathy 1G (CMD1G). Identifiers: Orphanet 154, MedGen C1858763, MONDO:0011400, OMIM 604145.
Cardiomyopathy (CMYO). Also called: Cardiomyopathies. Identifiers: Orphanet 167848, MedGen C0878544, MONDO:0004994, HP:0001638. Inheritance: Various modes of inheritance.
Early-onset myopathy with fatal cardiomyopathy (CMYO5). Also called: CONGENITAL MYOPATHY 5 WITH CARDIOMYOPATHY; Salih Myopathy. Identifiers: Orphanet 289377, MedGen C2673677, MONDO:0012714, OMIM 611705. Disease mechanism: loss of function.
Myopathy, myofibrillar, 9, with early respiratory failure (MFM9). Also called: Myopathy, distal, with early respiratory failure, autosomal dominant; Hereditary myopathy with early respiratory failure; EDSTROM MYOPATHY; MYOPATHY, PROXIMAL, WITH EARLY RESPIRATORY MUSCLE INVOLVEMENT. Identifiers: Orphanet 178464, Orphanet 34521, MedGen C1863599, MONDO:0011362, OMIM 603689.
Tibial muscular dystrophy (TMD). Also called: Tibial muscular dystrophy, tardive; Udd Distal Myopathy – Tibial Muscular Dystrophy; UDD MYOPATHY. Identifiers: Orphanet 609, MedGen C1838244, MONDO:0010870, OMIM 600334.

Allele frequency attached by ClinVar (database versions not stated): gnomAD exomes 0.00061 and 0.00022; 1000 Genomes Project 0.00140; TOPMed 0.00023; gnomAD 0.00027 and 0.00012; ExAC 0.00073; 1000 Genomes Project 30x 0.00109.
gnomAD v4.1: 396 of 1,613,394 alleles (0.025%); highest among the groups gnomAD compares: East Asian, 0.33%; 4 homozygotes.

Submissions (18):

CeGaT Center for Human Genetics Tuebingen
Classification: Likely benign. Last evaluated: 2026-08-01. Review status: criteria provided, single submitter. Criteria: CeGaT Center For Human Genetics Tuebingen Variant Classification Criteria Version 2. Collection method: clinical testing. Allele origin: germline. Affected: yes. Observed: 3 variant alleles.
Comment: TTN: BP4, BP7

Labcorp Genetics (formerly Invitae), Labcorp
Classification: Benign for Dilated cardiomyopathy 1G; Autosomal recessive limb-girdle muscular dystrophy type 2J. Last evaluated: 2026-02-03. Review status: criteria provided, single submitter. Criteria: Invitae Variant Classification Sherloc (09022015). Collection method: clinical testing. Allele origin: germline.

Blueprint Genetics
Classification: Likely benign. Last evaluated: 2024-10-28. Review status: criteria provided, single submitter. Criteria: ACMG Guidelines, 2015. Collection method: clinical testing. Allele origin: germline.

Women's Health and Genetics/Laboratory Corporation of America, LabCorp
Classification: Benign. Last evaluated: 2023-06-10. Review status: criteria provided, single submitter. Criteria: LabCorp Variant Classification Summary - May 2015. Collection method: clinical testing. Allele origin: germline.

Eurofins Ntd Llc (ga)
Classification: Benign. Last evaluated: 2018-07-02. Review status: criteria provided, single submitter. Criteria: EGL ClinVar v180209 classification definitions. Collection method: clinical testing. Allele origin: germline. Observed: 2 variant alleles, 2 heterozygotes.

Illumina Laboratory Services, Illumina
Classification: Benign for Myopathy, myofibrillar, 9, with early respiratory failure. Last evaluated: 2018-01-13. Review status: criteria provided, single submitter. Criteria: ICSL Variant Classification Criteria 13 December 2019. Collection method: clinical testing. Allele origin: germline.
Comment: This variant was observed in the ICSL laboratory as part of a predisposition screen in an ostensibly healthy population. It had not been previously curated by ICSL or reported in the Human Gene Mutation Database (HGMD: prior to June 1st, 2018), and was therefore a candidate for classification through an automated scoring system. Utilizing variant allele frequency, disease prevalence and penetrance estimates, and inheritance mode, an automated score was calculated to assess if this variant is too frequent to cause the disease. Based on the score and internal cut-off values, a variant classified as benign is not then subjected to further curation. The score for this variant resulted in a classification of benign for this disease.

Illumina Laboratory Services, Illumina
Classification: Uncertain significance for Autosomal recessive limb-girdle muscular dystrophy type 2J. Last evaluated: 2018-01-13. Review status: criteria provided, single submitter. Criteria: ICSL Variant Classification Criteria 13 December 2019. Collection method: clinical testing. Allele origin: germline.

Illumina Laboratory Services, Illumina
Classification: Uncertain significance for Early-onset myopathy with fatal cardiomyopathy. Last evaluated: 2018-01-13. Review status: criteria provided, single submitter. Criteria: ICSL Variant Classification Criteria 13 December 2019. Collection method: clinical testing. Allele origin: germline.

Illumina Laboratory Services, Illumina
Classification: Uncertain significance for Dilated cardiomyopathy 1G. Last evaluated: 2018-01-13. Review status: criteria provided, single submitter. Criteria: ICSL Variant Classification Criteria 13 December 2019. Collection method: clinical testing. Allele origin: germline.

Illumina Laboratory Services, Illumina
Classification: Benign for Tibial muscular dystrophy. Last evaluated: 2018-01-13. Review status: criteria provided, single submitter. Criteria: ICSL Variant Classification Criteria 13 December 2019. Collection method: clinical testing. Allele origin: germline.
Comment: the same text as in the submission from Illumina Laboratory Services, Illumina above.

CHEO Genetics Diagnostic Laboratory, Children's Hospital of Eastern Ontario
Classification: Benign for Cardiomyopathy. Last evaluated: 2017-11-30. Review status: criteria provided, single submitter. Criteria: ACMG Guidelines, 2015. Collection method: clinical testing. Allele origin: germline.

Genetic Services Laboratory, University of Chicago
Classification: Likely benign. Last evaluated: 2016-10-13. Review status: criteria provided, single submitter. Criteria: ACMG Guidelines, 2015. Collection method: clinical testing. Allele origin: germline. Affected: no.

GeneDx
Classification: Benign. Last evaluated: 2015-11-13. Review status: criteria provided, single submitter. Criteria: GeneDx Variant Classification (06012015). Collection method: clinical testing. Allele origin: germline. Affected: yes.
Comment: This variant is considered likely benign or benign based on one or more of the following criteria: it is a conservative change, it occurs at a poorly conserved position in the protein, it is predicted to be benign by multiple in silico algorithms, and/or has population frequency not consistent with disease.

Ambry Genetics
Classification: Likely benign for Cardiovascular phenotype. Last evaluated: 2013-04-02. Review status: criteria provided, single submitter. Criteria: Ambry Autosomal Dominant and X-Linked criteria (10/2015). Collection method: clinical testing. Allele origin: germline. Observed: 1 variant allele.

Laboratory for Molecular Medicine, Mass General Brigham Personalized Medicine
Classification: Likely benign. Last evaluated: 2012-02-14. Review status: criteria provided, single submitter. Criteria: LMM Criteria. Collection method: clinical testing. Allele origin: germline. Observed: 3 variant alleles.
Comment: Ile5028Ile in exon 61 of TTN: This variant is not expected to have clinical sign ificance because it does not alter an amino acid residue and is not located with in the splice consensus sequence. This variant has been listed in dbSNP without frequency information (rs146219199). Ile5028Ile in exon 61 of TTN (rs146219199; allele frequency = n/a)

Clinical Genetics, Academic Medical Center
Classification: Benign. Review status: no assertion criteria provided. Collection method: clinical testing. Allele origin: germline. Affected: yes. Study: VKGL Data-share Consensus. Not counted in ClinVar's aggregate classification.

Diagnostic Laboratory, Department of Genetics, University Medical Center Groningen
Classification: Likely benign. Review status: no assertion criteria provided. Collection method: clinical testing. Allele origin: germline. Affected: yes. Study: VKGL Data-share Consensus. Not counted in ClinVar's aggregate classification.

Laboratory of Diagnostic Genome Analysis, Leiden University Medical Center (LUMC)
Classification: Likely benign. Review status: no assertion criteria provided. Collection method: clinical testing. Allele origin: germline. Affected: yes. Study: VKGL Data-share Consensus. Not counted in ClinVar's aggregate classification.

NM_001267550.2(TTN):c.18816T>C (p.Ile6272=)

Genes: TTN (titin; minus strand), LOC126806430 (BRD4-independent group 4 enhancer GRCh37_chr2:179593794-179594993; plus strand). Cytogenetic location: 2q31.2.
Variant type: single nucleotide variant.
Coding change: c.18816T>C on transcript NM_001267550.2 (MANE Select); coding-DNA position 18816, T replaced by C.
Protein change: p.Ile6272=; no amino-acid change (isoleucine 6272 retained).
Molecular consequence: synonymous variant. On other transcripts: intron variant (3).
Genome position (GRCh38, 1-based): chr2:178,729,340, A>G on the plus strand (T>C on the coding strand, the complement: TTN is on the minus strand). VCF-style: chr2-178729340-A-G. GRCh37 (hg19) VCF-style: chr2-179594067-A-G.
Other names: c.17865T>C, p.Ile5955= (NM_001256850.1); c.15084T>C, p.Ile5028= (NM_133378.4); c.13282+8742T>C (NM_003319.4); c.13858+8742T>C (NM_133437.4); c.13657+8742T>C (NM_133432.3).
Identifiers: ClinVar variation 46645 (VCV000046645.65), dbSNP rs146219199, ClinGen allele CA138848.